The following is an entry in ClinVar:

NM_000089.4(COL1A2):c.3439G>C (p.Glu1147Gln)

Gene: COL1A2 (collagen type I alpha 2 chain; plus strand). Cytogenetic location: 7q21.3.
Variant type: single nucleotide variant.
Coding change: c.3439G>C on transcript NM_000089.4 (MANE Select); coding-DNA position 3439, G replaced by C.
Protein change: p.Glu1147Gln; replaces glutamic acid 1147 with glutamine.
Molecular consequence: missense variant.
Genome position (GRCh38, 1-based): chr7:94,427,798, G>C. VCF-style: chr7-94427798-G-C. GRCh37 (hg19) VCF-style: chr7-94057110-G-C.
Other names: short protein forms E1147Q.
Identifiers: ClinVar variation 840536 (VCV000840536.11), dbSNP rs746701185, ClinGen allele CA4347756.

ClinVar aggregate classification (germline): Uncertain significance (1 of 4 stars; one submission).

Conditions:
Osteogenesis imperfecta type I (OI1). Also called: Lobstein's Disease; Classic Non-deforming Osteogenesis Imperfecta with Blue Sclerae; Lobstein disease; OI, TYPE I; OSTEOGENESIS IMPERFECTA TARDA; OSTEOGENESIS IMPERFECTA WITH BLUE SCLERAE. Identifiers: Orphanet 216796, Orphanet 666, MedGen C0023931, MONDO:0008146, OMIM 166200. Disease mechanism: loss of function.
Ehlers-Danlos syndrome, classic type, 1 (EDSCL1). Also called: Ehlers-Danlos syndrome, type 1; Ehlers-Danlos Syndrome, Classic Type, COL5A1-Related; EDS I; EHLERS-DANLOS SYNDROME, GRAVIS TYPE; EHLERS-DANLOS SYNDROME, SEVERE CLASSIC TYPE. Identifiers: MedGen C0268335, MONDO:0019567, OMIM 130000.

Allele frequency attached by ClinVar (database versions not stated): ExAC 0.00001; gnomAD exomes below 0.00001.
gnomAD v4.1: 1 of 1,614,126 alleles (0.000062%); highest among the groups gnomAD compares: South Asian, 0.0011%; no homozygotes.

Submission:

Labcorp Genetics (formerly Invitae), Labcorp
Classification: Uncertain significance for Osteogenesis imperfecta type I; Ehlers-Danlos syndrome, classic type, 1. Last evaluated: 2019-05-08. Review status: criteria provided, single submitter. Criteria: Invitae Variant Classification Sherloc (09022015). Collection method: clinical testing. Allele origin: germline.
Comment: In summary, the available evidence is currently insufficient to determine the role of this variant in disease. Therefore, it has been classified as a Variant of Uncertain Significance. Algorithms developed to predict the effect of missense changes on protein structure and function are either unavailable or do not agree on the potential impact of this missense change (SIFT: "Deleterious"; PolyPhen-2: "Not Available"; Align-GVGD: "Class C0"). This variant has not been reported in the literature in individuals with COL1A2-related conditions. This variant is present in population databases (rs746701185, ExAC 0.006%). This sequence change replaces glutamic acid with glutamine at codon 1147 of the COL1A2 protein (p.Glu1147Gln). The glutamic acid residue is highly conserved and there is a small physicochemical difference between glutamic acid and glutamine.